The following is an entry in ClinVar:

ClinVar aggregate classification (germline): Likely benign. Review status: reviewed by expert panel (3 of 4 stars). 5 submissions from 5 submitters: Likely benign (1). 4 of the submissions do not count toward it. Last evaluated 2017-06-29.

Conditions:
Hereditary cancer-predisposing syndrome. Also called: Tumor predisposition; Hereditary Cancer Syndrome; Hereditary neoplastic syndrome; Neoplastic Syndromes, Hereditary. Identifiers: Orphanet 140162, MedGen C0027672, MeSH D009386, MONDO:0015356.
Hereditary breast ovarian cancer syndrome. Also called: Breast and ovarian cancer; Hereditary breast and ovarian cancer syndrome; Hereditary breast and ovarian cancer; BRCA1- and BRCA2-Associated Hereditary Breast and Ovarian Cancer; Hereditary breast and ovarian cancer syndrome (HBOC); Hereditary breast and/or ovarian cancer syndrome. Identifiers: Orphanet 145, MedGen C0677776, MeSH D061325, MONDO:0003582. Disease mechanism: loss of function.
Breast-ovarian cancer, familial, susceptibility to, 2 (BROVCA2). Also called: BRCA2 Hereditary Breast and Ovarian Cancer. Identifiers: Orphanet 145, MedGen C2675520, MONDO:0012933, OMIM 612555. Disease mechanism: loss of function.

Submissions (5):

Evidence-based Network for the Interpretation of Germline Mutant Alleles (ENIGMA)
Classification: Likely benign for Breast-ovarian cancer, familial, susceptibility to, 2. Last evaluated: 2017-06-29. Review status: reviewed by expert panel. Criteria: ENIGMA BRCA1/2 Classification Criteria (2017-06-29). Collection method: curation. Allele origin: germline.
Comment: Synonymous substitution variant, with low bioinformatic likelihood to result in a splicing aberration (Splicing prior probability 0.02).

Labcorp Genetics (formerly Invitae), Labcorp
Classification: Likely benign for Hereditary breast ovarian cancer syndrome. Last evaluated: 2023-10-12. Review status: criteria provided, single submitter. Criteria: Invitae Variant Classification Sherloc (09022015). Collection method: clinical testing. Allele origin: germline. Not counted in ClinVar's aggregate classification.

All of Us Research Program, National Institutes of Health
Classification: Likely benign for Breast-ovarian cancer, familial, susceptibility to, 2. Last evaluated: 2023-04-10. Review status: criteria provided, single submitter. Criteria: ACMG Guidelines, 2015. Collection method: clinical testing. Allele origin: germline. Inheritance: Autosomal dominant inheritance. Observed: 1 variant allele, 1 heterozygote. Not counted in ClinVar's aggregate classification.
Comment: This study involves interpretation of variants in research participants for the purpose of population health screening. Participant phenotype was not available at the time of variant classification. Additional details can be found in publication PMID: 35346344, PMCID: PMC8962531

Women's Health and Genetics/Laboratory Corporation of America, LabCorp
Classification: Likely benign. Last evaluated: 2019-08-21. Review status: criteria provided, single submitter. Criteria: LabCorp Variant Classification Summary - May 2015. Collection method: clinical testing. Allele origin: germline. Not counted in ClinVar's aggregate classification.

Ambry Genetics
Classification: Likely benign for Hereditary cancer-predisposing syndrome. Last evaluated: 2016-10-14. Review status: criteria provided, single submitter. Criteria: Ambry Variant Classification Scheme 2023. Collection method: clinical testing. Allele origin: germline. Not counted in ClinVar's aggregate classification.

NM_000059.4(BRCA2):c.6831T>C (p.Leu2277=)

Gene: BRCA2 (BRCA2 DNA repair associated; plus strand). Cytogenetic location: 13q13.1.
Variant type: single nucleotide variant.
Coding change: c.6831T>C on transcript NM_000059.4 (MANE Select); coding-DNA position 6831, T replaced by C.
Protein change: p.Leu2277=; no amino-acid change (leucine 2277 retained).
Molecular consequence: synonymous variant.
Genome position (GRCh38, 1-based): chr13:32,341,186, T>C. VCF-style: chr13-32341186-T-C. GRCh37 (hg19) VCF-style: chr13-32915323-T-C.
Identifiers: ClinVar variation 184467 (VCV000184467.18), dbSNP rs786201481, ClinGen allele CA024474.